The following is an entry in ClinVar:

NM_000052.7(ATP7A):c.1893G>C (p.Leu631Phe)

Gene: ATP7A (ATPase copper transporting alpha; plus strand). Cytogenetic location: Xq21.1.
Variant type: single nucleotide variant.
Coding change: c.1893G>C on transcript NM_000052.7 (MANE Select); coding-DNA position 1893, G replaced by C.
Protein change: p.Leu631Phe; replaces leucine 631 with phenylalanine.
Molecular consequence: missense variant.
Genome position (GRCh38, 1-based): chrX:78,011,199, G>C. VCF-style: chrX-78011199-G-C. GRCh37 (hg19) VCF-style: chrX-77266696-G-C.
Other names: c.1893G>C, p.Leu631Phe (NM_001282224.2); short protein forms L631F.
Identifiers: ClinVar variation 374773 (VCV000374773.17), dbSNP rs372898963, ClinGen allele CA10459156.

ClinVar aggregate classification (germline): Conflicting classifications of pathogenicity. Review status: criteria provided, conflicting classifications (1 of 4 stars). 4 submissions from 4 submitters: Uncertain significance (2); Likely benign (2). Last evaluated 2025-12-24.

Conditions:
Inborn genetic diseases. Identifiers: MedGen C0950123, MeSH D030342.
Cutis laxa, X-linked (OHS). Also called: EDS IX; Occipital horn syndrome. Identifiers: Orphanet 198, MedGen C0268353, MONDO:0010572, OMIM 304150.
X-linked distal spinal muscular atrophy type 3. Also called: SPINAL MUSCULAR ATROPHY, DISTAL, X-LINKED RECESSIVE; ATP7A-Related Distal Motor Neuropathy; NEURONOPATHY, DISTAL HEREDITARY MOTOR, X-LINKED; NEUROPATHY, DISTAL HEREDITARY MOTOR, X-LINKED. Identifiers: Orphanet 139557, MedGen C1845359, MONDO:0010338, OMIM 300489.
Menkes kinky-hair syndrome (MNK). Also called: Copper transport disease; Menkes Disease; Classic Menkes Disease. Identifiers: Orphanet 565, MedGen C0022716, MONDO:0010651, OMIM 309400.

Allele frequency attached by ClinVar (database versions not stated): TOPMed 0.00005; gnomAD 0.00006; gnomAD exomes 0.00007 and 0.00020; ExAC 0.00008; ESP Exome Variant Server 0.00019.
gnomAD v4.1: 218 of 1,207,620 alleles (0.018%); highest among the groups gnomAD compares: Non-Finnish European, 0.024%; no homozygotes.

Submissions (4):

Labcorp Genetics (formerly Invitae), Labcorp
Classification: Likely benign for X-linked distal spinal muscular atrophy type 3; Cutis laxa, X-linked; Menkes kinky-hair syndrome. Last evaluated: 2025-12-24. Review status: criteria provided, single submitter. Criteria: Invitae Variant Classification Sherloc (09022015). Collection method: clinical testing. Allele origin: germline.

Ambry Genetics
Classification: Likely benign for Inborn genetic diseases. Last evaluated: 2024-12-09. Review status: criteria provided, single submitter. Criteria: Ambry Variant Classification Scheme 2023. Collection method: clinical testing. Allele origin: germline.

GeneDx
Classification: Uncertain significance. Last evaluated: 2022-12-05. Review status: criteria provided, single submitter. Criteria: GeneDx Variant Classification Process June 2021. Collection method: clinical testing. Allele origin: germline. Affected: yes.
Comment: Has not been previously published as pathogenic or benign to our knowledge; In silico analysis supports that this missense variant has a deleterious effect on protein structure/function

CeGaT Center for Human Genetics Tuebingen
Classification: Uncertain significance. Last evaluated: 2016-09-30. Review status: criteria provided, single submitter. Criteria: Praxis fuer Humangenetik Tuebingen - Variant Classification Criteria. Collection method: clinical testing. Allele origin: germline. Affected: yes. Observed: 2 variant alleles.